The following is an entry in ClinVar:

NM_001367624.2(ZNF469):c.10394C>A (p.Ala3465Asp)

Gene: ZNF469 (zinc finger protein 469; plus strand). Cytogenetic location: 16q24.2.
Variant type: single nucleotide variant.
Coding change: c.10394C>A on transcript NM_001367624.2 (MANE Select); coding-DNA position 10394, C replaced by A.
Protein change: p.Ala3465Asp; replaces alanine 3465 with aspartic acid.
Molecular consequence: missense variant.
Genome position (GRCh38, 1-based): chr16:88,437,864, C>A. VCF-style: chr16-88437864-C-A. GRCh37 (hg19) VCF-style: chr16-88504272-C-A.
Other names: NM_001127464.1:c.10310C>A; short protein forms A3465D.
Identifiers: ClinVar variation 1210698 (VCV001210698.11), dbSNP rs1003677220, ClinGen allele CA286386684.

ClinVar aggregate classification (germline): Conflicting classifications of pathogenicity. Review status: criteria provided, conflicting classifications (1 of 4 stars). 4 submissions from 4 submitters: Uncertain significance (3); Likely benign (1). Last evaluated 2025-09-10.

Conditions:
Cardiovascular phenotype. Identifiers: MedGen CN230736.

Allele frequency attached by ClinVar (database versions not stated): TOPMed 0.00001; gnomAD exomes 0.00002; gnomAD 0.00003.
gnomAD v4.1: 42 of 1,538,772 alleles (0.0027%); highest among the groups gnomAD compares: Admixed American, 0.0039%; no homozygotes.

Submissions (4):

Women's Health and Genetics/Laboratory Corporation of America, LabCorp
Classification: Uncertain significance. Last evaluated: 2025-09-10. Review status: criteria provided, single submitter. Criteria: LabCorp Variant Classification Summary - May 2015. Collection method: clinical testing. Allele origin: germline.
Comment: Variant summary: ZNF469 c.10394C>A (p.Ala3465Asp) results in a non-conservative amino acid change in the encoded protein sequence. Algorithms developed to predict the effect of missense changes on protein structure and function are either unavailable or do not agree on the potential impact of this missense change. The variant allele was found at a frequency of 2.1e-05 in 140950 control chromosomes. The available data on variant occurrences in the general population are insufficient to allow any conclusion about variant significance. To our knowledge, no occurrence of c.10394C>A in individuals affected with ZNF469-related Brittle cornea syndrome 1 and no experimental evidence demonstrating its impact on protein function have been reported. ClinVar contains an entry for this variant (Variation ID: 1210698). Based on the evidence outlined above, the variant was classified as uncertain significance.

Ambry Genetics
Classification: Likely benign for Cardiovascular phenotype. Last evaluated: 2024-09-14. Review status: criteria provided, single submitter. Criteria: Ambry Variant Classification Scheme 2023. Collection method: clinical testing. Allele origin: germline.

Labcorp Genetics (formerly Invitae), Labcorp
Classification: Uncertain significance. Last evaluated: 2022-10-07. Review status: criteria provided, single submitter. Criteria: Invitae Variant Classification Sherloc (09022015). Collection method: clinical testing. Allele origin: germline.
Comment: This sequence change replaces alanine, which is neutral and non-polar, with aspartic acid, which is acidic and polar, at codon 3437 of the ZNF469 protein (p.Ala3437Asp). This variant is present in population databases (no rsID available, gnomAD 0.007%). This variant has not been reported in the literature in individuals affected with ZNF469-related conditions. ClinVar contains an entry for this variant (Variation ID: 1210698). Algorithms developed to predict the effect of missense changes on protein structure and function (SIFT, PolyPhen-2, Align-GVGD) all suggest that this variant is likely to be tolerated. In summary, the available evidence is currently insufficient to determine the role of this variant in disease. Therefore, it has been classified as a Variant of Uncertain Significance.

GeneDx
Classification: Uncertain significance. Last evaluated: 2021-02-11. Review status: criteria provided, single submitter. Criteria: GeneDx Variant Classification Process June 2021. Collection method: clinical testing. Allele origin: germline. Affected: yes.
Comment: Not observed at a significant frequency in large population cohorts (Lek et al., 2016); In silico analysis supports that this missense variant does not alter protein structure/function; Has not been previously published as pathogenic or benign to our knowledge